The following is an entry in ClinVar:

ClinVar aggregate classification (germline): Uncertain significance (1 of 4 stars; one submission).

Conditions:
Idiopathic generalized epilepsy. Also called: Generalised epilepsy; EIG. Identifiers: MedGen C0270850, MONDO:0005579, OMIM 600669.
Hyperaldosteronism, familial, type IV (HALD4). Also called: FH IV; ALDOSTERONISM, PRIMARY, AND HYPERTENSION. Identifiers: Orphanet 642671, MedGen C4310756, MONDO:0014875, OMIM 617027.

Submission:

Labcorp Genetics (formerly Invitae), Labcorp
Classification: Uncertain significance for Idiopathic generalized epilepsy; Hyperaldosteronism, familial, type IV. Last evaluated: 2025-03-06. Review status: criteria provided, single submitter. Criteria: Invitae Variant Classification Sherloc (09022015). Collection method: clinical testing. Allele origin: germline.
Comment: This sequence change creates a premature translational stop signal (p.Arg1104Alafs*60) in the CACNA1H gene. It is expected to result in an absent or disrupted protein product. However, the current clinical and genetic evidence is not sufficient to establish whether loss-of-function variants in CACNA1H cause disease. This variant is not present in population databases (gnomAD no frequency). This variant has not been reported in the literature in individuals affected with CACNA1H-related conditions. In summary, the available evidence is currently insufficient to determine the role of this variant in disease. Therefore, it has been classified as a Variant of Uncertain Significance.

NM_021098.3(CACNA1H):c.3309_3310del (p.Arg1104fs)

Gene: CACNA1H (calcium voltage-gated channel subunit alpha1 H; plus strand). Cytogenetic location: 16p13.3.
Variant type: Microsatellite.
Coding change: c.3309_3310del on transcript NM_021098.3 (MANE Select); coding-DNA positions 3309 to 3310, 2 bases deleted (TC; older notation c.3309_3310delTC).
Protein change: p.Arg1104fs; shifts the reading frame from arginine 1104.
Molecular consequence: frameshift variant.
Genome position (GRCh38, 1-based): chr16:1,208,167-1,208,168, TC deleted; deleting any 2 consecutive bases within chr16:1,208,164-1,208,168 gives the same sequence; the c. name uses the placement nearest the transcript's 3' end. VCF-style (leftmost placement, unchanged base first): chr16-1208163-ACT-A. GRCh37 (hg19) VCF-style: chr16-1258163-ACT-A.
Other names: c.3309_3310del, p.Arg1104fs (NM_001005407.2); short protein forms R1104fs.
Identifiers: ClinVar variation 4794541 (VCV004794541.1).